The following is an entry in ClinVar:

NM_005445.4(SMC3):c.887A>T (p.Gln296Leu)

Gene: SMC3 (structural maintenance of chromosomes 3; plus strand). Cytogenetic location: 10q25.2.
Variant type: single nucleotide variant.
Coding change: c.887A>T on transcript NM_005445.4 (MANE Select); coding-DNA position 887, A replaced by T.
Protein change: p.Gln296Leu; replaces glutamine 296 with leucine.
Molecular consequence: missense variant.
Genome position (GRCh38, 1-based): chr10:110,583,466, A>T. VCF-style: chr10-110583466-A-T. GRCh37 (hg19) VCF-style: chr10-112343224-A-T.
Other names: short protein forms Q296L.
Identifiers: ClinVar variation 3027182 (VCV003027182.22), dbSNP rs2493115812, ClinGen allele CA378379204.

ClinVar aggregate classification (germline): Uncertain significance (1 of 4 stars; one submission).

Submission:

CeGaT Center for Human Genetics Tuebingen
Classification: Uncertain significance. Last evaluated: 2024-02-01. Review status: criteria provided, single submitter. Criteria: CeGaT Center For Human Genetics Tuebingen Variant Classification Criteria Version 2. Collection method: clinical testing. Allele origin: germline. Affected: yes. Observed: 1 variant allele.
Comment: SMC3: PM2, PP2